The following is an entry in ClinVar:

NM_000391.4(TPP1):c.1034T>C (p.Met345Thr)

Gene: TPP1 (tripeptidyl peptidase 1; minus strand). Cytogenetic location: 11p15.4.
Variant type: single nucleotide variant.
Coding change: c.1034T>C on transcript NM_000391.4 (MANE Select); coding-DNA position 1034, T replaced by C.
Protein change: p.Met345Thr; replaces methionine 345 with threonine.
Molecular consequence: missense variant.
Genome position (GRCh38, 1-based): chr11:6,616,356, A>G on the plus strand (T>C on the coding strand, the complement: TPP1 is on the minus strand). VCF-style: chr11-6616356-A-G. GRCh37 (hg19) VCF-style: chr11-6637587-A-G.
Other names: short protein forms M345T.
Identifiers: ClinVar variation 954818 (VCV000954818.9), dbSNP rs764077257, ClinGen allele CA5858791.

ClinVar aggregate classification (germline): Uncertain significance. Review status: criteria provided, multiple submitters, no conflicts (2 of 4 stars). 3 submissions from 3 submitters: Uncertain significance (2). 1 of the submissions does not count toward it. Last evaluated 2025-12-15.

Conditions:
Inborn genetic diseases. Identifiers: MedGen C0950123, MeSH D030342.
Neuronal ceroid lipofuscinosis 2. Also called: JANSKY-BIELSCHOWSKY DISEASE NEURONAL CEROID LIPOFUSCINOSIS, LATE INFANTILE; TPP1-Related Neuronal Ceroid-Lipofuscinosis. Identifiers: Orphanet 168491, Orphanet 228349, Orphanet 79264, MedGen C1876161, MONDO:0008769, OMIM 204500.

Allele frequency attached by ClinVar (database versions not stated): ExAC 0.00001; gnomAD exomes 0.00001 and below 0.00001; TOPMed 0.00001.

Submissions (3):

Ambry Genetics
Classification: Uncertain significance for Inborn genetic diseases. Last evaluated: 2025-12-15. Review status: criteria provided, single submitter. Criteria: Ambry Variant Classification Scheme 2023. Collection method: clinical testing. Allele origin: germline.

Labcorp Genetics (formerly Invitae), Labcorp
Classification: Uncertain significance. Last evaluated: 2022-06-09. Review status: criteria provided, single submitter. Criteria: Invitae Variant Classification Sherloc (09022015). Collection method: clinical testing. Allele origin: germline.
Comment: This sequence change replaces methionine, which is neutral and non-polar, with threonine, which is neutral and polar, at codon 345 of the TPP1 protein (p.Met345Thr). This variant is present in population databases (rs764077257, gnomAD 0.002%). This variant has not been reported in the literature in individuals affected with TPP1-related conditions. ClinVar contains an entry for this variant (Variation ID: 954818). Algorithms developed to predict the effect of missense changes on protein structure and function are either unavailable or do not agree on the potential impact of this missense change (SIFT: "Tolerated"; PolyPhen-2: "Probably Damaging"; Align-GVGD: "Class C0"). In summary, the available evidence is currently insufficient to determine the role of this variant in disease. Therefore, it has been classified as a Variant of Uncertain Significance.

Natera, Inc.
Classification: Uncertain significance for Neuronal ceroid lipofuscinosis 2. Last evaluated: 2020-08-25. Review status: no assertion criteria provided. Collection method: clinical testing. Allele origin: germline. Not counted in ClinVar's aggregate classification.